The following is an entry in ClinVar:

NM_000540.3(RYR1):c.12183C>T (p.Phe4061=)

Gene: RYR1 (ryanodine receptor 1; plus strand). Cytogenetic location: 19q13.2.
Variant type: single nucleotide variant.
Coding change: c.12183C>T on transcript NM_000540.3 (MANE Select); coding-DNA position 12183, C replaced by T.
Protein change: p.Phe4061=; no amino-acid change (phenylalanine 4061 retained).
Molecular consequence: synonymous variant.
Genome position (GRCh38, 1-based): chr19:38,548,321, C>T. VCF-style: chr19-38548321-C-T. GRCh37 (hg19) VCF-style: chr19-39038961-C-T.
Other names: c.12168C>T, p.Phe4056= (NM_001042723.2).
Identifiers: ClinVar variation 256419 (VCV000256419.23), dbSNP rs568688771, ClinGen allele CA058421.
Genomic context (GRCh38, chr19:38,548,321, plus strand): 5'-GCAGATGGTGGACATGCTCGTGGAATCCTCATCCAATGTGGAGATGATCCTCAAGTTCTT[C>T]GACATGTTCCTGAAACTCAAGGACATTGTGGGCTCTGAAGCCTTCCAGGACTACGTAACG-3'
Protein context (NP_000531.2, residues 4051-4071): SSNVEMILKF[Phe4061=]DMFLKLKDIV

ClinVar aggregate classification (germline): Likely benign. Review status: criteria provided, multiple submitters, no conflicts (2 of 4 stars). 3 submissions from 3 submitters: Likely benign (3). Last evaluated 2026-09-01.

Conditions:
RYR1-related disorder. Also called: RYR1-related disorders; RYR1-related condition. Identifiers: MedGen CN239331.

Allele frequency attached by ClinVar (database versions not stated): gnomAD 0.00001 and 0.00003; ExAC 0.00005; gnomAD exomes 0.00005; TOPMed 0.00007; 1000 Genomes Project 30x 0.00016; 1000 Genomes Project 0.00020.
gnomAD v4.1: 43 of 1,614,186 alleles (0.0027%); highest among the groups gnomAD compares: East Asian, 0.016%; no homozygotes.

Submissions (3):

CeGaT Center for Human Genetics Tuebingen
Classification: Likely benign. Last evaluated: 2026-09-01. Review status: criteria provided, single submitter. Criteria: CeGaT Center For Human Genetics Tuebingen Variant Classification Criteria Version 2. Collection method: clinical testing. Allele origin: germline. Affected: yes. Observed: 2 variant alleles.
Comment: RYR1: BP4, BP7

Labcorp Genetics (formerly Invitae), Labcorp
Classification: Likely benign for RYR1-related disorder. Last evaluated: 2025-12-01. Review status: criteria provided, single submitter. Criteria: Invitae Variant Classification Sherloc (09022015). Collection method: clinical testing. Allele origin: germline.

PreventionGenetics, part of Exact Sciences
Classification: Likely benign. Review status: criteria provided, single submitter. Criteria: ACMG Guidelines, 2015. Collection method: clinical testing. Allele origin: germline.